The following is an entry in ClinVar:

NM_203290.4(POLR1C):c.812A>G (p.Lys271Arg)

Gene: POLR1C (RNA polymerase I and III subunit C; plus strand). Cytogenetic location: 6p21.1.
Variant type: single nucleotide variant.
Coding change: c.812A>G on transcript NM_203290.4 (MANE Select); coding-DNA position 812, A replaced by G.
Protein change: p.Lys271Arg; replaces lysine 271 with arginine.
Molecular consequence: missense variant.
Genome position (GRCh38, 1-based): chr6:43,520,938, A>G. VCF-style: chr6-43520938-A-G. GRCh37 (hg19) VCF-style: chr6-43488676-A-G.
Other names: c.812A>G, p.Lys271Arg (NM_001318876.2, NM_001363658.2); short protein forms K271R.
Identifiers: ClinVar variation 1497756 (VCV001497756.6), dbSNP rs1161051971, ClinGen allele CA364284998.

ClinVar aggregate classification (germline): Uncertain significance (1 of 4 stars; one submission).

Allele frequency attached by ClinVar (database versions not stated): gnomAD exomes below 0.00001.
gnomAD v4.1: 3 of 1,613,928 alleles (0.00019%); highest among the groups gnomAD compares: South Asian, 0.0022%; no homozygotes.

Submission:

Labcorp Genetics (formerly Invitae), Labcorp
Classification: Uncertain significance. Last evaluated: 2021-07-12. Review status: criteria provided, single submitter. Criteria: Invitae Variant Classification Sherloc (09022015). Collection method: clinical testing. Allele origin: germline.
Comment: This sequence change replaces lysine with arginine at codon 271 of the POLR1C protein (p.Lys271Arg). The lysine residue is moderately conserved and there is a small physicochemical difference between lysine and arginine. This variant is not present in population databases (ExAC no frequency). This variant has not been reported in the literature in individuals with POLR1C-related conditions. Algorithms developed to predict the effect of missense changes on protein structure and function are either unavailable or do not agree on the potential impact of this missense change (SIFT: "Not Available"; PolyPhen-2: "Benign"; Align-GVGD: "Not Available"). In summary, the available evidence is currently insufficient to determine the role of this variant in disease. Therefore, it has been classified as a Variant of Uncertain Significance.